The following is an entry in ClinVar:

NM_000135.4(FANCA):c.1700C>G (p.Thr567Ser)

Gene: FANCA (FA complementation group A; minus strand). Cytogenetic location: 16q24.3.
Variant type: single nucleotide variant.
Coding change: c.1700C>G on transcript NM_000135.4 (MANE Select); coding-DNA position 1700, C replaced by G.
Protein change: p.Thr567Ser; replaces threonine 567 with serine.
Molecular consequence: missense variant.
Genome position (GRCh38, 1-based): chr16:89,779,884, G>C on the plus strand (C>G on the coding strand, the complement: FANCA is on the minus strand). VCF-style: chr16-89779884-G-C. GRCh37 (hg19) VCF-style: chr16-89846292-G-C.
Other names: c.1700C>G, p.Thr567Ser (NM_001286167.3); short protein forms T567S.
Identifiers: ClinVar variation 853739 (VCV000853739.9), dbSNP rs775083851, ClinGen allele CA397455908.
Genomic context (GRCh38, chr16:89,779,884, plus strand): 5'-GCACACACTGCAGCTGCTAGAGGCCTTTTCGGCAGCCCAGCCTACCTGGCCTCCATGACG[G>C]TGACTGGGATGTTCCCCGTATGCTCAAACACCATGATGGCCTTTTCAACATCCTGAAGAG-3'
Protein context (NP_000126.2, residues 557-577): VFEHTGNIPV[Thr567Ser]VMEASIFRRP

ClinVar aggregate classification (germline): Uncertain significance (1 of 4 stars; one submission).

Conditions:
Fanconi anemia (FA). Also called: Fanconi's anemia. Identifiers: Orphanet 84, MedGen C0015625, MeSH D005199, MONDO:0019391.

gnomAD v4.1: 1 of 1,613,844 alleles (0.000062%); highest among the groups gnomAD compares: East Asian, 0.0022%; no homozygotes.

Submission:

Labcorp Genetics (formerly Invitae), Labcorp
Classification: Uncertain significance for Fanconi anemia. Last evaluated: 2025-01-06. Review status: criteria provided, single submitter. Criteria: Invitae Variant Classification Sherloc (09022015). Collection method: clinical testing. Allele origin: germline.
Comment: This sequence change replaces threonine, which is neutral and polar, with serine, which is neutral and polar, at codon 567 of the FANCA protein (p.Thr567Ser). This variant is present in population databases (no rsID available, gnomAD 0.006%). This variant has not been reported in the literature in individuals affected with FANCA-related conditions. ClinVar contains an entry for this variant (Variation ID: 853739). Invitae Evidence Modeling of protein sequence and biophysical properties (such as structural, functional, and spatial information, amino acid conservation, physicochemical variation, residue mobility, and thermodynamic stability) indicates that this missense variant is not expected to disrupt FANCA protein function with a negative predictive value of 95%. In summary, the available evidence is currently insufficient to determine the role of this variant in disease. Therefore, it has been classified as a Variant of Uncertain Significance.